The following is an entry in ClinVar:

ClinVar aggregate classification (germline): Uncertain significance (1 of 4 stars; one submission).

Conditions:
Cryopyrin associated periodic syndrome (CAPS). Identifiers: Orphanet 208650, MedGen C2316212, MONDO:0016168.

Allele frequency attached by ClinVar (database versions not stated): gnomAD exomes below 0.00001; ExAC 0.00001.
gnomAD v4.1: 1 of 1,614,054 alleles (0.000062%); highest among the groups gnomAD compares: Admixed American, 0.0017%; no homozygotes.

Submission:

Labcorp Genetics (formerly Invitae), Labcorp
Classification: Uncertain significance for Cryopyrin associated periodic syndrome. Last evaluated: 2022-01-27. Review status: criteria provided, single submitter. Criteria: Invitae Variant Classification Sherloc (09022015). Collection method: clinical testing. Allele origin: germline.
Comment: This sequence change replaces leucine, which is neutral and non-polar, with proline, which is neutral and non-polar, at codon 839 of the NLRP3 protein (p.Leu839Pro). This variant is present in population databases (rs761820802, gnomAD 0.003%). This variant has not been reported in the literature in individuals affected with NLRP3-related conditions. Advanced modeling of protein sequence and biophysical properties (such as structural, functional, and spatial information, amino acid conservation, physicochemical variation, residue mobility, and thermodynamic stability) performed at Invitae indicates that this missense variant is expected to disrupt NLRP3 protein function. In summary, the available evidence is currently insufficient to determine the role of this variant in disease. Therefore, it has been classified as a Variant of Uncertain Significance.

NM_001243133.2(NLRP3):c.2510T>C (p.Leu837Pro)

Gene: NLRP3 (NLR family pyrin domain containing 3; plus strand). Cytogenetic location: 1q44.
Variant type: single nucleotide variant.
Coding change: c.2510T>C on transcript NM_001243133.2 (MANE Select); coding-DNA position 2510, T replaced by C.
Protein change: p.Leu837Pro; replaces leucine 837 with proline.
Molecular consequence: missense variant. On other transcripts: genic downstream transcript variant (2).
Genome position (GRCh38, 1-based): chr1:247,435,987, T>C. VCF-style: chr1-247435987-T-C. GRCh37 (hg19) VCF-style: chr1-247599289-T-C.
Other names: c.2510T>C, p.Leu837Pro (NM_001079821.3); c.2339T>C, p.Leu780Pro (NM_001127462.3); c.2516T>C, p.Leu839Pro (NM_004895.5); c.2492+1714T>C (NM_001127461.3); c.2321+1714T>C (NM_183395.3); short protein forms L839P, L837P, L780P.
Identifiers: ClinVar variation 2051581 (VCV002051581.4), dbSNP rs761820802, ClinGen allele CA1495283.